The following is an entry in ClinVar:

ClinVar aggregate classification (germline): Likely benign (0 of 4 stars; one submission).

Conditions:
PLXNA2-related disorder. Also called: PLXNA2-related condition.

gnomAD v4.1: 1 of 1,614,056 alleles (0.000062%); highest among the groups gnomAD compares: Non-Finnish European, 0.000085%; no homozygotes.

Submission:

PreventionGenetics, part of Exact Sciences
Classification: Likely benign for PLXNA2-related condition. Last evaluated: 2022-08-30. Review status: no assertion criteria provided. Collection method: clinical testing. Allele origin: germline.
Comment: This variant is classified as likely benign based on ACMG/AMP sequence variant interpretation guidelines (Richards et al. 2015 PMID: 25741868, with internal and published modifications).

NM_025179.4(PLXNA2):c.564G>A (p.Val188=)

Gene: PLXNA2 (plexin A2; minus strand). Cytogenetic location: 1q32.2.
Variant type: single nucleotide variant.
Coding change: c.564G>A on transcript NM_025179.4 (MANE Select); coding-DNA position 564, G replaced by A.
Protein change: p.Val188=; no amino-acid change (valine 188 retained).
Molecular consequence: synonymous variant.
Genome position (GRCh38, 1-based): chr1:208,217,359, C>T on the plus strand (G>A on the coding strand, the complement: PLXNA2 is on the minus strand). VCF-style: chr1-208217359-C-T. GRCh37 (hg19) VCF-style: chr1-208390704-C-T.
Identifiers: ClinVar variation 3354347 (VCV003354347.1).